The following is an entry in ClinVar:

NM_022114.4(PRDM16):c.*2G>A

Gene: PRDM16 (PR/SET domain 16; plus strand). Cytogenetic location: 1p36.32.
Variant type: single nucleotide variant.
Coding change: c.*2G>A on transcript NM_022114.4 (MANE Select); 2 bases downstream of the stop codon, G replaced by A.
Molecular consequence: 3 prime UTR variant.
Genome position (GRCh38, 1-based): chr1:3,433,813, G>A. VCF-style: chr1-3433813-G-A. GRCh37 (hg19) VCF-style: chr1-3350377-G-A.
Other names: c.*2G>A (NM_199454.3).
Identifiers: ClinVar variation 389898 (VCV000389898.2), dbSNP rs368799129, ClinGen allele CA545001.
Genomic context (GRCh38, chr1:3,433,813, plus strand): 5'-TGAAGGTCACTGGAGCCACGTCGGAGTCTGGAGCATTTCACCCCATCAACCACCTCTGAC[G>A]GGCTGGGCAGCCGGGGGCCGGTGGCCAGAGCGAGGGCACCAGCCACGAAGGACGGAGGCG-3'

ClinVar aggregate classification (germline): Likely benign. Review status: criteria provided, multiple submitters, no conflicts (2 of 4 stars). 2 submissions from 2 submitters: Likely benign (2). Last evaluated 2024-07-31.

Allele frequency attached by ClinVar (database versions not stated): gnomAD 0.00003; TOPMed 0.00003; gnomAD exomes 0.00006; ExAC 0.00007.

Submissions (2):

Blueprint Genetics
Classification: Likely benign. Last evaluated: 2024-07-31. Review status: criteria provided, single submitter. Criteria: ACMG Guidelines, 2015. Collection method: clinical testing. Allele origin: germline.

GeneDx
Classification: Likely benign. Last evaluated: 2016-10-12. Review status: criteria provided, single submitter. Criteria: GeneDx Variant Classification (06012015). Collection method: clinical testing. Allele origin: germline. Affected: yes.
Comment: This variant is considered likely benign or benign based on one or more of the following criteria: it is a conservative change, it occurs at a poorly conserved position in the protein, it is predicted to be benign by multiple in silico algorithms, and/or has population frequency not consistent with disease.